The following is an entry in ClinVar:

ClinVar aggregate classification (germline): Uncertain significance (1 of 4 stars; one submission).

Conditions:
Alstrom syndrome (ALMS). Identifiers: Orphanet 64, MedGen C0268425, MONDO:0008763, OMIM 203800.

gnomAD v4.1: 5 of 1,613,988 alleles (0.00031%); highest among the groups gnomAD compares: Non-Finnish European, 0.00042%; no homozygotes.

Submission:

Labcorp Genetics (formerly Invitae), Labcorp
Classification: Uncertain significance for Alstrom syndrome. Last evaluated: 2022-07-22. Review status: criteria provided, single submitter. Criteria: Invitae Variant Classification Sherloc (09022015). Collection method: clinical testing. Allele origin: germline.
Comment: This sequence change replaces asparagine, which is neutral and polar, with aspartic acid, which is acidic and polar, at codon 3708 of the ALMS1 protein (p.Asn3708Asp). This variant is not present in population databases (gnomAD no frequency). This variant has not been reported in the literature in individuals affected with ALMS1-related conditions. Experimental studies and prediction algorithms are not available or were not evaluated, and the functional significance of this variant is currently unknown. In summary, the available evidence is currently insufficient to determine the role of this variant in disease. Therefore, it has been classified as a Variant of Uncertain Significance.

NM_001378454.1(ALMS1):c.11119A>G (p.Asn3707Asp)

Gene: ALMS1 (ALMS1 centrosome and basal body associated protein; plus strand). Cytogenetic location: 2p13.1.
Variant type: single nucleotide variant.
Coding change: c.11119A>G on transcript NM_001378454.1 (MANE Select); coding-DNA position 11119, A replaced by G.
Protein change: p.Asn3707Asp; replaces asparagine 3707 with aspartic acid.
Molecular consequence: missense variant.
Genome position (GRCh38, 1-based): chr2:73,572,996, A>G. VCF-style: chr2-73572996-A-G. GRCh37 (hg19) VCF-style: chr2-73800123-A-G.
Other names: c.11122A>G, p.Asn3708Asp (NM_015120.4); short protein forms N3708D, N3707D.
Identifiers: ClinVar variation 2168654 (VCV002168654.4), dbSNP rs200464290, ClinGen allele CA347287393.